The following is an entry in ClinVar:

ClinVar aggregate classification (germline): Conflicting classifications of pathogenicity. Review status: criteria provided, conflicting classifications (1 of 4 stars). 4 submissions from 4 submitters: Uncertain significance (3); Likely benign (1). Last evaluated 2025-04-17.

Conditions:
Cardiovascular phenotype. Identifiers: MedGen CN230736.
Duchenne muscular dystrophy (DMD). Also called: MUSCULAR DYSTROPHY, PSEUDOHYPERTROPHIC PROGRESSIVE, DUCHENNE TYPE; Duchenne Muscular Dystrophy (DMD). Identifiers: Orphanet 98896, MedGen C0013264, MONDO:0010679, OMIM 310200.

Allele frequency attached by ClinVar (database versions not stated): gnomAD exomes below 0.00001.
gnomAD v4.1: 4 of 1,191,220 alleles (0.00034%); highest among the groups gnomAD compares: Non-Finnish European, 0.00023%; no homozygotes.

Submissions (4):

Labcorp Genetics (formerly Invitae), Labcorp
Classification: Likely benign for Duchenne muscular dystrophy. Last evaluated: 2025-04-17. Review status: criteria provided, single submitter. Criteria: Invitae Variant Classification Sherloc (09022015). Collection method: clinical testing. Allele origin: germline.

Ambry Genetics
Classification: Uncertain significance for Cardiovascular phenotype. Last evaluated: 2021-09-29. Review status: criteria provided, single submitter. Criteria: Ambry Variant Classification Scheme 2023. Collection method: clinical testing. Allele origin: germline.
Comment: The c.7201-4A>G intronic variant results from an A to G substitution 4 nucleotides upstream from coding exon 50 in the DMD gene. This nucleotide position is well conserved in available vertebrate species. In silico splice site analysis predicts that this alteration will not have any significant effect on splicing. Since supporting evidence is limited at this time, the clinical significance of this alteration remains unclear.

Revvity Omics, Revvity
Classification: Uncertain significance. Last evaluated: 2020-01-26. Review status: criteria provided, single submitter. Criteria: ACMG Guidelines, 2015. Collection method: clinical testing. Allele origin: germline.

Athena Diagnostics
Classification: Uncertain significance. Last evaluated: 2016-10-18. Review status: criteria provided, single submitter. Criteria: Athena Diagnostics Criteria. Collection method: clinical testing. Allele origin: germline.

NM_004006.3(DMD):c.7201-4A>G

Gene: DMD (dystrophin; minus strand). Cytogenetic location: Xp21.1.
Variant type: single nucleotide variant.
Coding change: c.7201-4A>G on transcript NM_004006.3 (MANE Select); 4 bases into the intron before coding-DNA position 7201, A replaced by G.
Molecular consequence: intron variant.
Genome position (GRCh38, 1-based): chrX:31,820,087, T>C on the plus strand (A>G on the coding strand, the complement: DMD is on the minus strand). VCF-style: chrX-31820087-T-C. GRCh37 (hg19) VCF-style: chrX-31838204-T-C.
Other names: c.7177-4A>G (NM_000109.4); c.3178-4A>G (NM_004011.4); c.3169-4A>G (NM_004012.4); c.-180-4A>G (NM_004023.3, NM_004020.4, NM_004022.3 and 2 more transcripts); c.7189-4A>G (NM_004009.3); c.6832-4A>G (NM_004010.3).
Identifiers: ClinVar variation 447264 (VCV000447264.14), dbSNP rs1556917126, ClinGen allele CA658658945.